The following is an entry in ClinVar:

ClinVar aggregate classification (germline): Pathogenic (1 of 4 stars; one submission).

Conditions:
Breast-ovarian cancer, familial, susceptibility to, 1 (BROVCA1). Also called: BRCA1 Hereditary Breast and Ovarian Cancer; OVARIAN CANCER, SUSCEPTIBILITY TO. Identifiers: Orphanet 145, MedGen C2676676, MONDO:0011450, OMIM 604370. Disease mechanism: loss of function.

Submission:

Myriad Genetics, Inc.
Classification: Pathogenic for Breast-ovarian cancer, familial, susceptibility to, 1. Last evaluated: 2023-01-10. Review status: criteria provided, single submitter. Criteria: Myriad Autosomal Dominant, Autosomal Recessive and X-Linked Classification Criteria (2023). Collection method: clinical testing. Allele origin: unknown.
Comment: This variant is considered pathogenic. This variant creates a frameshift predicted to result in premature protein truncation.

NM_007294.4(BRCA1):c.1325del (p.Cys442fs)

Gene: BRCA1 (BRCA1 DNA repair associated; minus strand). Cytogenetic location: 17q21.31.
Variant type: Deletion.
Coding change: c.1325del on transcript NM_007294.4 (MANE Select); coding-DNA position 1325, one base deleted (G; older notation c.1325delG).
Protein change: p.Cys442fs; shifts the reading frame from cysteine 442.
Molecular consequence: frameshift variant. On other transcripts: intron variant (137).
Genome position (GRCh38, 1-based): chr17:43,094,206, C deleted on the plus strand (G on the coding strand, the reverse complement: BRCA1 is on the minus strand). VCF-style (leftmost placement, unchanged base first): chr17-43094205-AC-A. GRCh37 (hg19) VCF-style: chr17-41246222-AC-A.
Other names: c.1112del, p.Cys371fs (NM_001407571.1, NM_001407853.1, NM_001407894.1 and 9 more transcripts); c.1325del, p.Cys442fs (NM_001407581.1, NM_001407582.1, NM_001407583.1 and 30 more transcripts); c.1322del, p.Cys441fs (NM_001407587.1, NM_001407590.1, NM_001407591.1 and 22 more transcripts); c.1316del, p.Cys439fs (NM_001407646.1, NM_001407647.1); c.1202del, p.Cys401fs (NM_001407648.1, NM_001407664.1, NM_001407665.1 and 19 more transcripts); c.1199del, p.Cys400fs (NM_001407649.1, NM_001407670.1, NM_001407671.1 and 11 more transcripts); c.1247del, p.Cys416fs (NM_001407653.1, NM_001407654.1, NM_001407655.1 and 4 more transcripts); c.1244del, p.Cys415fs (NM_001407659.1, NM_001407660.1, NM_001407661.1 and 1 more transcripts); and 40 more; short protein forms C395fs, C442fs, C330fs, C353fs, C372fs, C375fs, C416fs, C441fs.
Identifiers: ClinVar variation 2431272 (VCV002431272.1), dbSNP rs2485541223, ClinGen allele CA2580093888.
Genomic context (GRCh38, chr17:43,094,205, plus strand): 5'-CCCAAATATTTTGTCTTCAATATTACTCTCTACTGATTTGGAGTGAACTCTTTCACTTTT[AC>A]ATATTAAAGCCTCATGAGGATCACTGGCCAGTAAGTCTATTTTCTCTGAAGAACCAGAAT-3'